The following is an entry in ClinVar:

ClinVar aggregate classification (germline): Uncertain significance. Review status: criteria provided, multiple submitters, no conflicts (2 of 4 stars). 3 submissions from 3 submitters: Uncertain significance (3). Last evaluated 2025-07-12.

Conditions:
Inborn genetic diseases. Identifiers: MedGen C0950123, MeSH D030342.
Sotos syndrome (SOTOS). Also called: Distinctive facial appearance, overgrowth in childhood, and learning disabilities or delayed development; SOTOS SYNDROME 1; CHROMOSOME 5q35 DELETION SYNDROME; CEREBRAL GIGANTISM; Sotos' syndrome. Identifiers: Orphanet 821, MedGen C0175695, MONDO:0019349, OMIM 117550.

gnomAD v4.1: 2 of 1,614,240 alleles (0.00012%); highest among the groups gnomAD compares: African/African-American, 0.0027%; no homozygotes.

Submissions (3):

Ambry Genetics
Classification: Uncertain significance for Inborn genetic diseases. Last evaluated: 2025-07-12. Review status: criteria provided, single submitter. Criteria: Ambry Variant Classification Scheme 2023. Collection method: clinical testing. Allele origin: germline.

Labcorp Genetics (formerly Invitae), Labcorp
Classification: Uncertain significance. Last evaluated: 2024-08-12. Review status: criteria provided, single submitter. Criteria: Invitae Variant Classification Sherloc (09022015). Collection method: clinical testing. Allele origin: germline.
Comment: This sequence change replaces glycine, which is neutral and non-polar, with alanine, which is neutral and non-polar, at codon 2642 of the NSD1 protein (p.Gly2642Ala). This variant is not present in population databases (gnomAD no frequency). This variant has not been reported in the literature in individuals affected with NSD1-related conditions. Advanced modeling of protein sequence and biophysical properties (such as structural, functional, and spatial information, amino acid conservation, physicochemical variation, residue mobility, and thermodynamic stability) performed at Invitae indicates that this missense variant is not expected to disrupt NSD1 protein function with a negative predictive value of 95%. In summary, the available evidence is currently insufficient to determine the role of this variant in disease. Therefore, it has been classified as a Variant of Uncertain Significance.

Fulgent Genetics
Classification: Uncertain significance for Sotos syndrome. Last evaluated: 2024-02-12. Review status: criteria provided, single submitter. Criteria: ACMG Guidelines, 2015. Collection method: clinical testing. Allele origin: germline.

NM_022455.5(NSD1):c.7925G>C (p.Gly2642Ala)

Gene: NSD1 (nuclear receptor binding SET domain protein 1; plus strand). Cytogenetic location: 5q35.3.
Variant type: single nucleotide variant.
Coding change: c.7925G>C on transcript NM_022455.5 (MANE Select); coding-DNA position 7925, G replaced by C.
Protein change: p.Gly2642Ala; replaces glycine 2642 with alanine.
Molecular consequence: missense variant.
Genome position (GRCh38, 1-based): chr5:177,295,293, G>C. VCF-style: chr5-177295293-G-C. GRCh37 (hg19) VCF-style: chr5-176722294-G-C.
Other names: c.7052G>C, p.Gly2351Ala (NM_001365684.2, NM_001409308.1, NM_172349.5); c.7925G>C, p.Gly2642Ala (NM_001409301.1, NM_001409302.1, NM_001409303.1); c.7505G>C, p.Gly2502Ala (NM_001409304.1); c.7172G>C, p.Gly2391Ala (NM_001409305.1); c.7163G>C, p.Gly2388Ala (NM_001409306.1, NM_001409307.1); c.6803G>C, p.Gly2268Ala (NM_001409309.1); short protein forms G2388A, G2391A, G2268A, G2642A, G2351A, G2502A.
Identifiers: ClinVar variation 3592085 (VCV003592085.4).